The following is an entry in ClinVar:

ClinVar aggregate classification (germline): Uncertain significance. Review status: criteria provided, single submitter (1 of 4 stars). 2 submissions from 2 submitters: Uncertain significance (1). 1 of the submissions does not count toward it. Last evaluated 2022-02-24.

Conditions:
CPS1-related disorder. Also called: CPS1-related condition.
Congenital hyperammonemia, type I. Also called: Carbamoyl phosphate synthetase I deficiency disease; Carbamoyl phosphate synthetase 1 deficiency; Hyperammonemia due to carbamoyl phosphate synthetase 1 deficiency; CPS 1 deficiency; Carbamyl phosphate synthetase (CPS) deficiency; CPS I DEFICIENCY. Identifiers: Orphanet 147, MedGen C4082171, MONDO:0009376, OMIM 237300.

Allele frequency attached by ClinVar (database versions not stated): TOPMed 0.00007; ESP Exome Variant Server 0.00008.
gnomAD v4.1: 18 of 1,611,602 alleles (0.0011%); highest among the groups gnomAD compares: African/African-American, 0.0094%; no homozygotes.

Submissions (2):

Labcorp Genetics (formerly Invitae), Labcorp
Classification: Uncertain significance for Congenital hyperammonemia, type I. Last evaluated: 2022-02-24. Review status: criteria provided, single submitter. Criteria: Invitae Variant Classification Sherloc (09022015). Collection method: clinical testing. Allele origin: germline.
Comment: This sequence change affects codon 569 of the CPS1 mRNA. It is a 'silent' change, meaning that it does not change the encoded amino acid sequence of the CPS1 protein. This variant also falls at the last nucleotide of exon 15, which is part of the consensus splice site for this exon. The frequency data for this variant in the population databases is considered unreliable, as metrics indicate poor data quality at this position in the gnomAD database. This variant has not been reported in the literature in individuals affected with CPS1-related conditions. Variants that disrupt the consensus splice site are a relatively common cause of aberrant splicing (PMID: 17576681, 9536098). Algorithms developed to predict the effect of sequence changes on RNA splicing suggest that this variant is not likely to affect RNA splicing. In summary, the available evidence is currently insufficient to determine the role of this variant in disease. Therefore, it has been classified as a Variant of Uncertain Significance.

PreventionGenetics, part of Exact Sciences
Classification: Likely benign for CPS1-related condition. Last evaluated: 2023-07-20. Review status: no assertion criteria provided. Collection method: clinical testing. Allele origin: germline. Not counted in ClinVar's aggregate classification.
Comment: This variant is classified as likely benign based on ACMG/AMP sequence variant interpretation guidelines (Richards et al. 2015 PMID: 25741868, with internal and published modifications).

Literature cited by the submitters: PubMed 17576681 (cited by Labcorp Genetics (formerly Invitae), Labcorp); PubMed 9536098 (cited by Labcorp Genetics (formerly Invitae), Labcorp).

NM_001875.5(CPS1):c.1707G>A (p.Ser569=)

Gene: CPS1 (carbamoyl-phosphate synthase 1; plus strand). Cytogenetic location: 2q34.
Variant type: single nucleotide variant.
Coding change: c.1707G>A on transcript NM_001875.5 (MANE Select); coding-DNA position 1707, G replaced by A.
Protein change: p.Ser569=; no amino-acid change (serine 569 retained).
Molecular consequence: synonymous variant. On other transcripts: non-coding transcript variant (2).
Genome position (GRCh38, 1-based): chr2:210,600,712, G>A. VCF-style: chr2-210600712-G-A. GRCh37 (hg19) VCF-style: chr2-211465436-G-A.
Other names: c.1707G>A, p.Ser569= (NM_001122633.3, NM_001369257.1); c.1740G>A, p.Ser580= (NM_001369256.1).
Identifiers: ClinVar variation 2051017 (VCV002051017.3), dbSNP rs148950271, ClinGen allele CA64756366.